The following is an entry in ClinVar:

NM_014423.4(AFF4):c.1199A>C (p.Lys400Thr)

Gene: AFF4 (ALF transcription elongation factor 4; minus strand). Cytogenetic location: 5q31.1.
Variant type: single nucleotide variant.
Coding change: c.1199A>C on transcript NM_014423.4 (MANE Select); coding-DNA position 1199, A replaced by C.
Protein change: p.Lys400Thr; replaces lysine 400 with threonine.
Molecular consequence: missense variant.
Genome position (GRCh38, 1-based): chr5:132,899,131, T>G on the plus strand (A>C on the coding strand, the complement: AFF4 is on the minus strand). VCF-style: chr5-132899131-T-G. GRCh37 (hg19) VCF-style: chr5-132234823-T-G.
Other names: short protein forms K400T.
Identifiers: ClinVar variation 3347430 (VCV003347430.1).
Genomic context (GRCh38, chr5:132,899,131, plus strand): 5'-TACCAATAAAACAGAAAAGAAAAGGATGCCCACCTTCCTGGTGTACTCCTCGGCATTGTC[T>G]TATCACAATCCTAAAATTAAAACATAAGAAAGAATCTGTGAATGAATAAACAGTATTCTA-3'
Protein context (NP_055238.1, residues 390-410): EDSDGEQDCD[Lys400Thr]TMPRSTPGSN

ClinVar aggregate classification (germline): Uncertain significance (0 of 4 stars; one submission).

Conditions:
AFF4-related disorder. Also called: AFF4-related condition.

gnomAD v4.1: 4 of 1,613,240 alleles (0.00025%); highest among the groups gnomAD compares: Non-Finnish European, 0.00034%; no homozygotes.

Submission:

PreventionGenetics, part of Exact Sciences
Classification: Uncertain significance for AFF4-related condition. Last evaluated: 2024-07-10. Review status: no assertion criteria provided. Collection method: clinical testing. Allele origin: germline.
Comment: The AFF4 c.1199A>C variant is predicted to result in the amino acid substitution p.Lys400Thr. To our knowledge, this variant has not been reported in the literature. This variant is reported in 0.00088% of alleles in individuals of European (Non-Finnish) descent in gnomAD. At this time, the clinical significance of this variant is uncertain due to the absence of conclusive functional and genetic evidence.